The following is an entry in ClinVar:

NM_000093.5(COL5A1):c.2493C>T (p.Ile831=)

Gene: COL5A1 (collagen type V alpha 1 chain; plus strand). Cytogenetic location: 9q34.3.
Variant type: single nucleotide variant.
Coding change: c.2493C>T on transcript NM_000093.5 (MANE Select); coding-DNA position 2493, C replaced by T.
Protein change: p.Ile831=; no amino-acid change (isoleucine 831 retained).
Molecular consequence: synonymous variant.
Genome position (GRCh38, 1-based): chr9:134,784,997, C>T. VCF-style: chr9-134784997-C-T. GRCh37 (hg19) VCF-style: chr9-137676843-C-T.
Other names: c.2493C>T, p.Ile831= (NM_001278074.1).
Identifiers: ClinVar variation 255063 (VCV000255063.22), dbSNP rs199630108, ClinGen allele CA5319434.

ClinVar aggregate classification (germline): Benign/Likely benign. Review status: criteria provided, multiple submitters, no conflicts (2 of 4 stars). 7 submissions from 7 submitters: Benign (2); Likely benign (5). Last evaluated 2025-12-18.

Conditions:
Ehlers-Danlos syndrome, classic type, 1 (EDSCL1). Also called: Ehlers-Danlos Syndrome, Classic Type, COL5A1-Related; EHLERS-DANLOS SYNDROME, GRAVIS TYPE; EHLERS-DANLOS SYNDROME, SEVERE CLASSIC TYPE; Ehlers-Danlos syndrome, type 1; EDS I. Identifiers: MedGen C0268335, MONDO:0019567, OMIM 130000.
Ehlers-Danlos syndrome, classic type (cEDS). Identifiers: Orphanet 287, MedGen C4225429, MONDO:0007522.
Familial thoracic aortic aneurysm and aortic dissection (TAAD). Also called: Thoracic aortic aneurysms and dissections. Identifiers: Orphanet 91387, MedGen C4707243, MONDO:0019625.

Allele frequency attached by ClinVar (database versions not stated): gnomAD 0.00011 and 0.00017; ExAC 0.00014; TOPMed 0.00014; 1000 Genomes Project 30x 0.00109; 1000 Genomes Project 0.00120.
gnomAD v4.1: 117 of 1,613,062 alleles (0.0073%); highest among the groups gnomAD compares: East Asian, 0.14%; no homozygotes.

Submissions (7):

Labcorp Genetics (formerly Invitae), Labcorp
Classification: Benign for Ehlers-Danlos syndrome, classic type, 1. Last evaluated: 2025-12-18. Review status: criteria provided, single submitter. Criteria: Invitae Variant Classification Sherloc (09022015). Collection method: clinical testing. Allele origin: germline.

Blueprint Genetics
Classification: Likely benign. Last evaluated: 2024-11-22. Review status: criteria provided, single submitter. Criteria: ACMG Guidelines, 2015. Collection method: clinical testing. Allele origin: germline.

Women's Health and Genetics/Laboratory Corporation of America, LabCorp
Classification: Benign. Last evaluated: 2024-11-18. Review status: criteria provided, single submitter. Criteria: LabCorp Variant Classification Summary - May 2015. Collection method: clinical testing. Allele origin: germline.

GeneDx
Classification: Likely benign. Last evaluated: 2019-12-04. Review status: criteria provided, single submitter. Criteria: GeneDx Variant Classification Process June 2021. Collection method: clinical testing. Allele origin: germline. Affected: yes.

Illumina Laboratory Services, Illumina
Classification: Likely benign for Ehlers-Danlos syndrome, classic type, 1. Last evaluated: 2018-01-13. Review status: criteria provided, single submitter. Criteria: ICSL Variant Classification Criteria 13 December 2019. Collection method: clinical testing. Allele origin: germline.
Comment: This variant was observed in the ICSL laboratory as part of a predisposition screen in an ostensibly healthy population. It had not been previously curated by ICSL or reported in the Human Gene Mutation Database (HGMD: prior to June 1st, 2018), and was therefore a candidate for classification through an automated scoring system. Utilizing variant allele frequency, disease prevalence and penetrance estimates, and inheritance mode, an automated score was calculated to assess if this variant is too frequent to cause the disease. Based on the score and internal cut-off values, a variant classified as likely benign is not then subjected to further curation. The score for this variant resulted in a classification of likely benign for this disease.

Ambry Genetics
Classification: Likely benign for Familial thoracic aortic aneurysm and aortic dissection. Last evaluated: 2016-07-28. Review status: criteria provided, single submitter. Criteria: Ambry Variant Classification Scheme 2023. Collection method: clinical testing. Allele origin: germline.

PreventionGenetics, part of Exact Sciences
Classification: Likely benign. Review status: criteria provided, single submitter. Criteria: ACMG Guidelines, 2015. Collection method: clinical testing. Allele origin: germline.